The following is an entry in ClinVar:

NM_007126.5(VCP):c.571C>G (p.Arg191Gly)

Gene: VCP (valosin containing protein; minus strand). Cytogenetic location: 9p13.3.
Variant type: single nucleotide variant.
Coding change: c.571C>G on transcript NM_007126.5 (MANE Select); coding-DNA position 571, C replaced by G.
Protein change: p.Arg191Gly; replaces arginine 191 with glycine.
Molecular consequence: missense variant.
Genome position (GRCh38, 1-based): chr9:35,065,256, G>C on the plus strand (C>G on the coding strand, the complement: VCP is on the minus strand). VCF-style: chr9-35065256-G-C. GRCh37 (hg19) VCF-style: chr9-35065253-G-C.
Other names: c.436C>G, p.Arg146Gly (NM_001354927.2, NM_001354928.2); short protein forms R146G, R191G.
Identifiers: ClinVar variation 4854007 (VCV004854007.1).

ClinVar aggregate classification (germline): Likely pathogenic (1 of 4 stars; one submission).

Conditions:
VCP-related disorder. Also called: VCP-related condition; VCP-related disorders.

Submission:

3billion
Classification: Likely pathogenic for VCP-related disorder. Last evaluated: 2025-10-14. Review status: criteria provided, single submitter. Criteria: ACMG Guidelines, 2015. Collection method: clinical testing. Allele origin: germline. Affected: yes.
Comment: The variant is not observed in the gnomAD v4.1.0 dataset. Predicted Consequence/Location: Missense variant. Missense changes are a common disease-causing mechanism. In silico tool predictions suggest damaging effect of the variant on gene or gene product [REVEL: 0.71 (>=0.6, sensitivity 0.68 and specificity 0.92); 3Cnet: 0.99 (> 0.75, sensitivity 0.96 and precision 0.92)]. The same nucleotide change resulting in the same amino acid change has been previously reported to be associated with VCP-related disorder (PMID: 23152587). Different missense changes at the same codon (p.Arg191Gln, p.Arg191Pro) have been reported as pathogenic/likely pathogenic with strong evidence (ClinVar ID: VCV000008473, VCV000873223 /PMID: 15034582, 32579787). Therefore, this variant is classified as Likely pathogenic according to the recommendation of ACMG/AMP guideline.

Literature cited by the submitters: PubMed 23152587; PubMed 15034582.